The following is an entry in ClinVar:

NM_014009.4(FOXP3):c.-23+801C>T

Gene: FOXP3 (forkhead box P3; minus strand). Cytogenetic location: Xp11.23.
Variant type: single nucleotide variant.
Coding change: c.-23+801C>T on transcript NM_014009.4 (MANE Select); 801 bases into the intron after 23 bases upstream of the start codon, C replaced by T.
Molecular consequence: intron variant.
Genome position (GRCh38, 1-based): chrX:49,263,860, G>A on the plus strand (C>T on the coding strand, the complement: FOXP3 is on the minus strand). VCF-style: chrX-49263860-G-A. GRCh37 (hg19) VCF-style: chrX-49120319-G-A.
Other names: c.-23+804C>T (NM_014009.4); c.-23+801C>T (NM_001114377.2).
Identifiers: ClinVar variation 4684522 (VCV004684522.1).

ClinVar aggregate classification (germline): Likely benign (1 of 4 stars; one submission).

Submission:

Mayo Clinic Laboratories, Mayo Clinic
Classification: Likely benign. Last evaluated: 2024-03-04. Review status: criteria provided, single submitter. Criteria: ACMG Guidelines, 2015. Collection method: clinical testing. Allele origin: germline. Observed: 1 variant allele.
Comment: BP4, BP7, PM2_supporting